The following is an entry in ClinVar:

ClinVar aggregate classification (germline): Likely pathogenic (1 of 4 stars; one submission).

Conditions:
Autosomal recessive limb-girdle muscular dystrophy type 2J (LGMDR10). Also called: Limb-girdle muscular dystrophy, type 2J; MUSCULAR DYSTROPHY, LIMB-GIRDLE, AUTOSOMAL RECESSIVE 10. Identifiers: Orphanet 140922, MedGen C1837342, MONDO:0012127, OMIM 608807.
Dilated cardiomyopathy 1G (CMD1G). Identifiers: Orphanet 154, MedGen C1858763, MONDO:0011400, OMIM 604145.

gnomAD v4.1: 3 of 1,549,366 alleles (0.00019%); highest among the groups gnomAD compares: Non-Finnish European, 0.00017%; no homozygotes.

Submission:

Labcorp Genetics (formerly Invitae), Labcorp
Classification: Likely pathogenic for Dilated cardiomyopathy 1G; Autosomal recessive limb-girdle muscular dystrophy type 2J. Last evaluated: 2024-05-15. Review status: criteria provided, single submitter. Criteria: Invitae Variant Classification Sherloc (09022015). Collection method: clinical testing. Allele origin: germline.
Comment: This sequence change affects an acceptor splice site in intron 213 of the TTN gene. It is expected to disrupt RNA splicing and likely results in a truncated or disrupted TTN protein. This variant is present in population databases (no rsID available, gnomAD 0.002%). This variant has not been reported in the literature in individuals affected with TTN-related conditions. Algorithms developed to predict the effect of sequence changes on RNA splicing suggest that this variant may disrupt the consensus splice site. This variant is located in the I band of TTN (PMID: 25589632). Truncating variants in this region have been reported in individuals affected with autosomal recessive centronuclear myopathy (PMID: 23975875, Invitae internal data). Truncating variants in this region have also been identified in individuals affected with autosomal dominant dilated cardiomyopathy and/or cardio-related conditions (PMID: 27869827, 32964742, Invitae internal data). In summary, the currently available evidence indicates that the variant is pathogenic, but additional data are needed to prove that conclusively. Therefore, this variant has been classified as Likely Pathogenic.

Literature cited by the submitters: PubMed 25589632; PubMed 23975875; PubMed 27869827; PubMed 32964742.

NM_001267550.2(TTN):c.40058-1G>A

Gene: TTN (titin; minus strand). Cytogenetic location: 2q31.2.
Variant type: single nucleotide variant.
Coding change: c.40058-1G>A on transcript NM_001267550.2 (MANE Select); the canonical splice acceptor site of the intron before coding-DNA position 40058, G replaced by A.
Molecular consequence: splice acceptor variant. On other transcripts: intron variant (5).
Genome position (GRCh38, 1-based): chr2:178,647,465, C>T on the plus strand (G>A on the coding strand, the complement: TTN is on the minus strand). VCF-style: chr2-178647465-C-T. GRCh37 (hg19) VCF-style: chr2-179512192-C-T.
Other names: c.13283-5148G>A (NM_003319.4); c.13859-5148G>A (NM_133437.4); c.13658-5148G>A (NM_133432.3); c.32594-1435G>A (NM_133378.4); c.35375-1435G>A (NM_001256850.1).
Identifiers: ClinVar variation 3751103 (VCV003751103.2).